The following is an entry in ClinVar:

NM_031246.4(PSG2):c.16G>A (p.Ala6Thr)

Gene: PSG2 (pregnancy specific beta-1-glycoprotein 2; minus strand). Cytogenetic location: 19q13.31.
Variant type: single nucleotide variant.
Coding change: c.16G>A on transcript NM_031246.4 (MANE Select); coding-DNA position 16, G replaced by A.
Protein change: p.Ala6Thr; replaces alanine 6 with threonine.
Molecular consequence: missense variant.
Genome position (GRCh38, 1-based): chr19:43,082,554, C>T on the plus strand (G>A on the coding strand, the complement: PSG2 is on the minus strand). VCF-style: chr19-43082554-C-T. GRCh37 (hg19) VCF-style: chr19-43586706-C-T.
Other names: short protein forms A6T.
Identifiers: ClinVar variation 3026552 (VCV003026552.22), dbSNP rs142061896, ClinGen allele CA9483465.
Genomic context (GRCh38, chr19:43,082,554, plus strand): 5'-TTCTCTCCTCACCTGTGACCAGGAGCCCCTTCCATTTGATGTGCTCTGTGCAGGGAGGGG[C>T]TGAGAGGGGCCCCATGGTCTCTGCTGCCTGTGTGTTCTCCTCTGTGGAGATGAGCCTAGG-3'
Protein context (NP_112536.2, residues 1-16): MGPLS[Ala6Thr]PPCTEHIKWK

ClinVar aggregate classification (germline): Uncertain significance (1 of 4 stars; one submission).

Allele frequency attached by ClinVar (database versions not stated): TOPMed below 0.00001; ExAC 0.00001; gnomAD 0.00001; ESP Exome Variant Server 0.00008.
gnomAD v4.1: 7 of 1,611,980 alleles (0.00043%); highest among the groups gnomAD compares: Non-Finnish European, 0.00051%; 1 homozygote.

Submission:

CeGaT Center for Human Genetics Tuebingen
Classification: Uncertain significance. Last evaluated: 2024-01-01. Review status: criteria provided, single submitter. Criteria: CeGaT Center For Human Genetics Tuebingen Variant Classification Criteria Version 2. Collection method: clinical testing. Allele origin: germline. Affected: yes. Observed: 1 variant allele.
Comment: PSG2: PM2, BP4